The following is an entry in ClinVar:

NM_003024.3(ITSN1):c.147dup (p.Gln50fs)

Gene: ITSN1 (intersectin 1; plus strand). Cytogenetic location: 21q22.11.
Variant type: Duplication.
Coding change: c.147dup on transcript NM_003024.3 (MANE Select); coding-DNA position 147, one base duplicated (T; older notation c.147dupT).
Protein change: p.Gln50fs; shifts the reading frame from glutamine 50.
Molecular consequence: frameshift variant.
Genome position (GRCh38, 1-based): chr21:33,722,613, T duplicated; the last of 9 consecutive T bases (chr21:33,722,605-33,722,613); duplicating any one gives the same sequence. VCF-style (leftmost placement, unchanged base first): chr21-33722604-C-CT. GRCh37 (hg19) VCF-style: chr21-35094909-C-CT.
Other names: c.147dup, p.Gln50fs (NM_001001132.2, NM_001331008.2, NM_001331009.2 and 3 more transcripts); short protein forms Q50fs.
Identifiers: ClinVar variation 1711938 (VCV001711938.3), dbSNP rs746959118, ClinGen allele CA10011204.

ClinVar aggregate classification (germline): Uncertain significance (1 of 4 stars; one submission).

Submission:

GeneDx
Classification: Uncertain significance. Last evaluated: 2025-02-06. Review status: criteria provided, single submitter. Criteria: GeneDx Variant Classification Process June 2021. Collection method: clinical testing. Allele origin: germline. Affected: yes.
Comment: Reported in a study evaluating associations between loss-of-function variants in the ITSN1 gene and Parkinson's disease; however, specific clinical information was not provided (PMID: 39147844); Frameshift variant predicted to result in protein truncation or nonsense mediated decay in a gene for which loss of function is a known mechanism of disease; This variant is associated with the following publications: (PMID: 39147844)